The following is an entry in ClinVar:

NM_152490.5(B3GALNT2):c.261-2A>G

Gene: B3GALNT2 (beta-1,3-N-acetylgalactosaminyltransferase 2; minus strand). Cytogenetic location: 1q42.3.
Variant type: single nucleotide variant.
Coding change: c.261-2A>G on transcript NM_152490.5 (MANE Select); the canonical splice acceptor site of the intron before coding-DNA position 261, A replaced by G.
Molecular consequence: splice acceptor variant.
Genome position (GRCh38, 1-based): chr1:235,489,270, T>C on the plus strand (A>G on the coding strand, the complement: B3GALNT2 is on the minus strand). VCF-style: chr1-235489270-T-C. GRCh37 (hg19) VCF-style: chr1-235652575-T-C.
Other names: c.384-2A>G (NM_001277155.3).
Identifiers: ClinVar variation 3381836 (VCV003381836.2).

ClinVar aggregate classification (germline): Pathogenic (1 of 4 stars; one submission).

Conditions:
Muscular dystrophy-dystroglycanopathy (congenital with brain and eye anomalies), type a, 11 (MDDGA11). Also called: Congenital muscular dystrophy-dystroglycanopathy with brain and eye anomalies, type A11; WALKER-WARBURG SYNDROME OR MUSCLE-EYE-BRAIN DISEASE, B3GALNT2-RELATED; Muscular dystrophy-dystroglycanopathy (congenital with brain and eye anomalies, type A, 11. Identifiers: Orphanet 588, Orphanet 899, MedGen C3554638, MONDO:0014071, OMIM 615181.

gnomAD v4.1: 14 of 1,613,380 alleles (0.00087%); highest among the groups gnomAD compares: East Asian, 0.031%; no homozygotes.

Submission:

Juno Genomics, Hangzhou Juno Genomics, Inc
Classification: Pathogenic for Muscular dystrophy-dystroglycanopathy (congenital with brain and eye anomalies), type a, 11. Review status: criteria provided, single submitter. Criteria: ACMG Guidelines, 2015. Collection method: clinical testing. Allele origin: germline. Affected: yes.
Comment: Absent from controls (or at extremely low frequency if recessive) in Genome Aggregation Database, Exome Sequencing Project, 1000 Genomes Project, or Exome Aggregation Consortium.;Null variant in a gene where loss of function (LOF) is a known mechanism of disease.;For recessive disorders, detected in trans with a pathogenic variant.